The following is an entry in ClinVar:

NM_014000.3(VCL):c.709A>G (p.Met237Val)

Gene: VCL (vinculin; plus strand). Cytogenetic location: 10q22.2.
Variant type: single nucleotide variant.
Coding change: c.709A>G on transcript NM_014000.3 (MANE Select); coding-DNA position 709, A replaced by G.
Protein change: p.Met237Val; replaces methionine 237 with valine.
Molecular consequence: missense variant.
Genome position (GRCh38, 1-based): chr10:74,074,829, A>G. VCF-style: chr10-74074829-A-G. GRCh37 (hg19) VCF-style: chr10-75834587-A-G.
Other names: c.709A>G, p.Met237Val (NM_003373.4); short protein forms M237V.
Identifiers: ClinVar variation 1038575 (VCV001038575.8), dbSNP rs1839557073, ClinGen allele CA377268386.
Genomic context (GRCh38, chr10:74,074,829, plus strand): 5'-AACTCAAAAAACCAAGGCATAGAGGAAGCTTTAAAAAATCGCAATTTTACTGTAGAAAAA[A>G]TGAGTGCTGAAATTAATGAGATAATTCGTGTGTTACAACTCACCTCTTGGGATGAAGATG-3'
Protein context (NP_054706.1, residues 227-247): LKNRNFTVEK[Met237Val]SAEINEIIRV

ClinVar aggregate classification (germline): Uncertain significance (1 of 4 stars; one submission).

Conditions:
Dilated cardiomyopathy 1W (CMD1W). Identifiers: Orphanet 154, MedGen C1969639, MONDO:0012667, OMIM 611407.

Submission:

Labcorp Genetics (formerly Invitae), Labcorp
Classification: Uncertain significance for Dilated cardiomyopathy 1W. Last evaluated: 2022-02-10. Review status: criteria provided, single submitter. Criteria: Invitae Variant Classification Sherloc (09022015). Collection method: clinical testing. Allele origin: germline.
Comment: This sequence change replaces methionine, which is neutral and non-polar, with valine, which is neutral and non-polar, at codon 237 of the VCL protein (p.Met237Val). This variant is not present in population databases (gnomAD no frequency). This variant has not been reported in the literature in individuals affected with VCL-related conditions. ClinVar contains an entry for this variant (Variation ID: 1038575). Algorithms developed to predict the effect of missense changes on protein structure and function are either unavailable or do not agree on the potential impact of this missense change (SIFT: "Not Available"; PolyPhen-2: "Probably Damaging"; Align-GVGD: "Not Available"). Algorithms developed to predict the effect of sequence changes on RNA splicing suggest that this variant may create or strengthen a splice site. In summary, the available evidence is currently insufficient to determine the role of this variant in disease. Therefore, it has been classified as a Variant of Uncertain Significance.